The following is an entry in ClinVar:

ClinVar aggregate classification (germline): Uncertain significance (1 of 4 stars; one submission).

Allele frequency attached by ClinVar (database versions not stated): gnomAD exomes below 0.00001 and 0.00001; TOPMed below 0.00001; ExAC 0.00002.

Submission:

Labcorp Genetics (formerly Invitae), Labcorp
Classification: Uncertain significance. Last evaluated: 2024-02-24. Review status: criteria provided, single submitter. Criteria: Invitae Variant Classification Sherloc (09022015). Collection method: clinical testing. Allele origin: germline.
Comment: This sequence change falls in intron 13 of the GUCY2C gene. It does not directly change the encoded amino acid sequence of the GUCY2C protein. It affects a nucleotide within the consensus splice site. This variant is present in population databases (rs776982660, gnomAD 0.02%). This variant has not been reported in the literature in individuals affected with GUCY2C-related conditions. ClinVar contains an entry for this variant (Variation ID: 1488178). Variants that disrupt the consensus splice site are a relatively common cause of aberrant splicing (PMID: 17576681, 9536098). Algorithms developed to predict the effect of sequence changes on RNA splicing suggest that this variant may disrupt the consensus splice site. In summary, the available evidence is currently insufficient to determine the role of this variant in disease. Therefore, it has been classified as a Variant of Uncertain Significance.

Literature cited by the submitters: PubMed 17576681; PubMed 9536098.

NM_004963.4(GUCY2C):c.1533+3G>C

Gene: GUCY2C (guanylate cyclase 2C; minus strand). Cytogenetic location: 12p12.3.
Variant type: single nucleotide variant.
Coding change: c.1533+3G>C on transcript NM_004963.4 (MANE Select); 3 bases into the intron after coding-DNA position 1533, G replaced by C.
Molecular consequence: intron variant.
Genome position (GRCh38, 1-based): chr12:14,652,949, C>G on the plus strand (G>C on the coding strand, the complement: GUCY2C is on the minus strand). VCF-style: chr12-14652949-C-G. GRCh37 (hg19) VCF-style: chr12-14805883-C-G.
Identifiers: ClinVar variation 1488178 (VCV001488178.6), dbSNP rs776982660, ClinGen allele CA6463386.
Genomic context (GRCh38, chr12:14,652,949, plus strand): 5'-ATGAGGGGTCAAAAGGCCCAGAGCATACCCCAGTGGAGAGTTCAGAGAAGTGGGAGAGGT[C>G]ACCTTTTTGTCGTATTTGCACTGTCGTAGTCTCTGGATTGTATCTCGTCTTTTGTCATCA-3'